The following is an entry in ClinVar:

ClinVar aggregate classification (germline): Pathogenic (1 of 4 stars; one submission).

Conditions:
Hereditary breast ovarian cancer syndrome. Also called: Hereditary breast and/or ovarian cancer syndrome; Hereditary breast and ovarian cancer syndrome (HBOC); Breast and ovarian cancer; Hereditary breast and ovarian cancer; BRCA1- and BRCA2-Associated Hereditary Breast and Ovarian Cancer; Hereditary breast and ovarian cancer syndrome. Identifiers: Orphanet 145, MedGen C0677776, MeSH D061325, MONDO:0003582. Disease mechanism: loss of function.

Submission:

Labcorp Genetics (formerly Invitae), Labcorp
Classification: Pathogenic for Hereditary breast ovarian cancer syndrome. Last evaluated: 2023-02-10. Review status: criteria provided, single submitter. Criteria: Invitae Variant Classification Sherloc (09022015). Collection method: clinical testing. Allele origin: germline.
Comment: This variant is a gross deletion of the genomic region encompassing exon(s) 14 of the BRCA2 gene. This deletion is out-of-frame, and is expected to create a premature termination codon and result in an absent or disrupted protein product. Loss-of-function variants in BRCA2 are known to be pathogenic (PMID: 20104584). A similar copy number variant has been observed in individual(s) with hereditary breast and/or ovarian cancer (PMID: 25632310, 29310832). For these reasons, this variant has been classified as Pathogenic.

Literature cited by the submitters: PubMed 20104584; PubMed 25632310; PubMed 29310832.

NC_000013.11:g.(?_32354841)_(32355308_?)del

Gene: BRCA2 (BRCA2 DNA repair associated; plus strand). Cytogenetic location: 13q13.1.
Variant type: Deletion.
Identifiers: ClinVar variation 831217 (VCV000831217.10).